The following is an entry in ClinVar:

ClinVar aggregate classification (germline): Uncertain significance (1 of 4 stars; one submission).

Submission:

Labcorp Genetics (formerly Invitae), Labcorp
Classification: Uncertain significance. Last evaluated: 2021-12-12. Review status: criteria provided, single submitter. Criteria: Invitae Variant Classification Sherloc (09022015). Collection method: clinical testing. Allele origin: germline.
Comment: This sequence change replaces serine, which is neutral and polar, with isoleucine, which is neutral and non-polar, at codon 305 of the TYRP1 protein (p.Ser305Ile). This variant is not present in population databases (gnomAD no frequency). This variant has not been reported in the literature in individuals affected with TYRP1-related conditions. Algorithms developed to predict the effect of missense changes on protein structure and function are either unavailable or do not agree on the potential impact of this missense change (SIFT: "Tolerated"; PolyPhen-2: "Probably Damaging"; Align-GVGD: "Class C0"). Algorithms developed to predict the effect of sequence changes on RNA splicing suggest that this variant may disrupt the consensus splice site. In summary, the available evidence is currently insufficient to determine the role of this variant in disease. Therefore, it has been classified as a Variant of Uncertain Significance.

NM_000550.3(TYRP1):c.914G>T (p.Ser305Ile)

Genes: LURAP1L-AS1 (LURAP1L antisense RNA 1; minus strand), TYRP1 (tyrosinase related protein 1; plus strand). Cytogenetic location: 9p23.
Variant type: single nucleotide variant.
Coding change: c.914G>T on transcript NM_000550.3 (MANE Select); coding-DNA position 914, G replaced by T.
Protein change: p.Ser305Ile; replaces serine 305 with isoleucine.
Molecular consequence: missense variant.
Genome position (GRCh38, 1-based): chr9:12,702,271, G>T. VCF-style: chr9-12702271-G-T. GRCh37 (hg19) VCF-style: chr9-12702271-G-T.
Other names: short protein forms S305I.
Identifiers: ClinVar variation 2040831 (VCV002040831.4), dbSNP rs747646124, ClinGen allele CA372941396.